The following is an entry in ClinVar:

ClinVar aggregate classification (germline): Likely benign (1 of 4 stars; one submission).

Conditions:
OTUD5-related disorder. Also called: OTUD5-related condition.

Submission:

PreventionGenetics, part of Exact Sciences
Classification: Likely benign for OTUD5-related condition. Last evaluated: 2024-11-27. Review status: criteria provided, single submitter. Criteria: ACMG Guidelines, 2015. Collection method: clinical testing. Allele origin: germline.
Comment: This variant is classified as likely benign based on ACMG/AMP sequence variant interpretation guidelines (Richards et al. 2015 PMID: 25741868, with internal and published modifications).

NM_001136157.2(OTUD5):c.138C>G (p.Gly46=)

Gene: OTUD5 (OTU deubiquitinase 5; minus strand). Cytogenetic location: Xp11.23.
Variant type: single nucleotide variant.
Coding change: c.138C>G on transcript NM_001136157.2 (MANE Select); coding-DNA position 138, C replaced by G.
Protein change: p.Gly46=; no amino-acid change (glycine 46 retained).
Molecular consequence: synonymous variant. On other transcripts: intron variant (1).
Genome position (GRCh38, 1-based): chrX:48,957,433, G>C on the plus strand (C>G on the coding strand, the complement: OTUD5 is on the minus strand). VCF-style: chrX-48957433-G-C. GRCh37 (hg19) VCF-style: chrX-48814695-G-C.
Other names: c.138C>G, p.Gly46= (NM_001136158.2, NM_017602.4); c.-58+799C>G (NM_001136159.2).
Identifiers: ClinVar variation 4982245 (VCV004982245.1).